The following is an entry in ClinVar:

ClinVar aggregate classification (germline): Uncertain significance. Review status: criteria provided, multiple submitters, no conflicts (2 of 4 stars). 6 submissions from 6 submitters: Uncertain significance (6). Last evaluated 2025-10-07.

Conditions:
Classic or attenuated familial adenomatous polyposis. Identifiers: MedGen CN372698, MONDO:0021057.
Hereditary cancer-predisposing syndrome. Also called: Neoplastic Syndromes, Hereditary; Tumor predisposition; Hereditary Cancer Syndrome; Hereditary neoplastic syndrome. Identifiers: Orphanet 140162, MedGen C0027672, MeSH D009386, MONDO:0015356.
Familial adenomatous polyposis 1 (FAP1). Also called: FAMILIAL ADENOMATOUS POLYPOSIS 1, ATTENUATED; POLYPOSIS, ADENOMATOUS INTESTINAL. Identifiers: MedGen C2713442, MONDO:0021056, OMIM 175100. Disease mechanism: loss of function.

Allele frequency attached by ClinVar (database versions not stated): gnomAD exomes below 0.00001; gnomAD 0.00001; TOPMed 0.00001.
gnomAD v4.1: 4 of 1,602,494 alleles (0.00025%); highest among the groups gnomAD compares: Admixed American, 0.0053%; no homozygotes.

Submissions (6):

Labcorp Genetics (formerly Invitae), Labcorp
Classification: Uncertain significance for Familial adenomatous polyposis 1. Last evaluated: 2025-10-07. Review status: criteria provided, single submitter. Criteria: Invitae Variant Classification Sherloc (09022015). Collection method: clinical testing. Allele origin: germline.
Comment: This sequence change replaces asparagine, which is neutral and polar, with aspartic acid, which is acidic and polar, at codon 2812 of the APC protein (p.Asn2812Asp). This variant is not present in population databases (gnomAD no frequency). This variant has not been reported in the literature in individuals affected with APC-related conditions. ClinVar contains an entry for this variant (Variation ID: 186890). Invitae Evidence Modeling of protein sequence and biophysical properties (such as structural, functional, and spatial information, amino acid conservation, physicochemical variation, residue mobility, and thermodynamic stability) indicates that this missense variant is not expected to disrupt APC protein function with a negative predictive value of 95%. In summary, the available evidence is currently insufficient to determine the role of this variant in disease. Therefore, it has been classified as a Variant of Uncertain Significance.

All of Us Research Program, National Institutes of Health
Classification: Uncertain significance for Classic or attenuated familial adenomatous polyposis. Last evaluated: 2024-09-23. Review status: criteria provided, single submitter. Criteria: ACMG Guidelines, 2015. Collection method: clinical testing. Allele origin: germline. Inheritance: Autosomal dominant inheritance. Observed: 4 variant alleles, 4 heterozygotes.
Comment: This missense variant replaces asparagine with aspartic acid at codon 2812 of the APC protein. Computational prediction suggests that this variant may not impact protein structure and function (internally defined REVEL score threshold <= 0.5, PMID: 27666373). To our knowledge, functional studies have not been reported for this variant. This variant has not been reported in individuals affected with APC-related disorders in the literature. This variant has not been identified in the general population by the Genome Aggregation Database (gnomAD). The available evidence is insufficient to determine the role of this variant in disease conclusively. Therefore, this variant is classified as a Variant of Uncertain Significance.

This study involves interpretation of variants in research participants for the purpose of population health screening. Participant phenotype was not available at the time of variant classification. Additional details can be found in publication PMID: 35346344, PMCID: PMC8962531

Ambry Genetics
Classification: Uncertain significance for Hereditary cancer-predisposing syndrome. Last evaluated: 2024-09-12. Review status: criteria provided, single submitter. Criteria: Ambry Variant Classification Scheme 2023. Collection method: clinical testing. Allele origin: germline.
Comment: The p.N2812D variant (also known as c.8434A>G), located in coding exon 15 of the APC gene, results from an A to G substitution at nucleotide position 8434. The asparagine at codon 2812 is replaced by aspartic acid, an amino acid with highly similar properties. Missense alterations in APC are not a common cause of disease (Spier I et al. Genet Med. 2024 Feb;26(2):100992). This amino acid position is not well conserved in available vertebrate species. In addition, in silico predictors for this gene do not accurately predict pathogenicity. Based on the available evidence, the clinical significance of this variant remains unclear.

Color Diagnostics, LLC DBA Color Health
Classification: Uncertain significance for Hereditary cancer-predisposing syndrome. Last evaluated: 2024-03-06. Review status: criteria provided, single submitter. Criteria: ACMG Guidelines, 2015. Collection method: clinical testing. Allele origin: germline.
Comment: This missense variant replaces asparagine with aspartic acid at codon 2812 of the APC protein. Computational prediction suggests that this variant may not impact protein structure and function (internally defined REVEL score threshold <= 0.5, PMID: 27666373). To our knowledge, functional studies have not been reported for this variant. This variant has not been reported in individuals affected with APC-related disorders in the literature. This variant has not been identified in the general population by the Genome Aggregation Database (gnomAD). The available evidence is insufficient to determine the role of this variant in disease conclusively. Therefore, this variant is classified as a Variant of Uncertain Significance.

Baylor Genetics
Classification: Uncertain significance for Familial adenomatous polyposis 1. Last evaluated: 2023-12-01. Review status: criteria provided, single submitter. Criteria: ACMG Guidelines, 2015. Collection method: clinical testing. Allele origin: unknown.

Quest Diagnostics Nichols Institute San Juan Capistrano
Classification: Uncertain significance. Last evaluated: 2020-11-09. Review status: criteria provided, single submitter. Criteria: Quest Diagnostics criteria. Collection method: clinical testing. Allele origin: unknown.

NM_000038.6(APC):c.8434A>G (p.Asn2812Asp)

Gene: APC (APC regulator of Wnt signaling pathway; plus strand). Cytogenetic location: 5q22.2.
Variant type: single nucleotide variant.
Coding change: c.8434A>G on transcript NM_000038.6 (MANE Select); coding-DNA position 8434, A replaced by G.
Protein change: p.Asn2812Asp; replaces asparagine 2812 with aspartic acid.
Molecular consequence: missense variant.
Genome position (GRCh38, 1-based): chr5:112,844,028, A>G. VCF-style: chr5-112844028-A-G. GRCh37 (hg19) VCF-style: chr5-112179725-A-G.
Other names: c.8434A>G, p.Asn2812Asp (NM_001127510.3, NM_001354895.2); c.8380A>G, p.Asn2794Asp (NM_001127511.3); c.8488A>G, p.Asn2830Asp (NM_001354896.2); c.8464A>G, p.Asn2822Asp (NM_001354897.2); c.8359A>G, p.Asn2787Asp (NM_001354898.2); c.8350A>G, p.Asn2784Asp (NM_001354899.2); c.8311A>G, p.Asn2771Asp (NM_001354900.2); c.8257A>G, p.Asn2753Asp (NM_001354901.2); and 5 more; short protein forms N2794D, N2812D, N2529D, N2711D, N2771D, N2822D, N2686D, N2721D.
Identifiers: ClinVar variation 186890 (VCV000186890.23), dbSNP rs786203301, ClinGen allele CA015496.
Genomic context (GRCh38, chr5:112,844,028, plus strand): 5'-AAAAGCAGCGCAGATAGCACTTCAGCTCGGCCATCTCAGATCCCAACTCCAGTGAATAAC[A>G]ACACAAAGAAGCGAGATTCCAAAACTGACAGCACAGAATCCAGTGGAACCCAAAGTCCTA-3'
Protein context (NP_000029.2, residues 2802-2822): PSQIPTPVNN[Asn2812Asp]TKKRDSKTDS